The following is an entry in ClinVar:

ClinVar aggregate classification (germline): Uncertain significance (1 of 4 stars; one submission).

Submission:

Ambry Genetics
Classification: Uncertain significance. Last evaluated: 2025-10-29. Review status: criteria provided, single submitter. Criteria: Ambry Variant Classification Scheme 2023. Collection method: clinical testing. Allele origin: germline.
Comment: The p.V215G variant (also known as c.644T>G), located in coding exon 6 of the RAD51B gene, results from a T to G substitution at nucleotide position 644. The valine at codon 215 is replaced by glycine, an amino acid with dissimilar properties. This amino acid position is conserved. In addition, this alteration is predicted to be deleterious by in silico analysis. Based on the available evidence, the clinical significance of this variant remains unclear.

NM_133510.4(RAD51B):c.644T>G (p.Val215Gly)

Gene: RAD51B (RAD51 paralog B; plus strand). Cytogenetic location: 14q24.1.
Variant type: single nucleotide variant.
Coding change: c.644T>G on transcript NM_133510.4 (MANE Select); coding-DNA position 644, T replaced by G.
Protein change: p.Val215Gly; replaces valine 215 with glycine.
Molecular consequence: missense variant.
Genome position (GRCh38, 1-based): chr14:67,887,092, T>G. VCF-style: chr14-67887092-T-G. GRCh37 (hg19) VCF-style: chr14-68353809-T-G.
Other names: c.644T>G, p.Val215Gly (NM_001321809.2, NM_001321810.2, NM_001321812.1 and 6 more transcripts); c.530T>G, p.Val177Gly (NM_001321815.1); c.287T>G, p.Val96Gly (NM_001321817.2); short protein forms V215G, V96G, V177G.
Identifiers: ClinVar variation 4575304 (VCV004575304.1).